The following is an entry in ClinVar:

ClinVar aggregate classification (germline): Likely benign. Review status: criteria provided, multiple submitters, no conflicts (2 of 4 stars). 3 submissions from 3 submitters: Likely benign (3). Last evaluated 2018-07-26.

Allele frequency attached by ClinVar (database versions not stated): 1000 Genomes Project 0.00619; 1000 Genomes Project 30x 0.00656; TOPMed 0.00951.
gnomAD v4.1: 2,359 of 1,536,206 alleles (0.15%); highest among the groups gnomAD compares: African/African-American, 2.9%; 34 homozygotes.

Submissions (3):

GeneDx
Classification: Likely benign. Last evaluated: 2018-07-26. Review status: criteria provided, single submitter. Criteria: GeneDx Variant Classification Process June 2021. Collection method: clinical testing. Allele origin: germline. Affected: yes.

Center for Pediatric Genomic Medicine, Children's Mercy Hospital and Clinics
Classification: Likely benign. Last evaluated: 2016-12-28. Review status: criteria provided, single submitter. Criteria: ACMG Guidelines, 2015. Collection method: clinical testing. Allele origin: germline.
ClinVar note: Converted during submission from Likely Benign to Likely benign.

Breakthrough Genomics
Classification: Likely benign. Review status: criteria provided, single submitter. Criteria: ACMG Guidelines, 2015. Collection method: not provided. Allele origin: germline. Inheritance: Autosomal recessive inheritance. Affected: yes.

NM_001161352.2(KCNMA1):c.378+808C>A

Gene: KCNMA1 (potassium calcium-activated channel subfamily M alpha 1; minus strand). Cytogenetic location: 10q22.3.
Variant type: single nucleotide variant.
Coding change: c.378+808C>A on transcript NM_001161352.2 (MANE Select); 808 bases into the intron after coding-DNA position 378, C replaced by A.
Molecular consequence: intron variant. On other transcripts: 3 prime UTR variant (2), missense variant (2).
Genome position (GRCh38, 1-based): chr10:77,636,457, G>T on the plus strand (C>A on the coding strand, the complement: KCNMA1 is on the minus strand). VCF-style: chr10-77636457-G-T. GRCh37 (hg19) VCF-style: chr10-79396215-G-T.
Other names: c.*286C>A (NM_001271520.2); c.*104C>A (NM_001271521.2); c.437C>A, p.Pro146Gln (NM_001271522.2); c.604C>A, p.Arg202Ser (NM_001322839.2); c.378+808C>A (NM_001271518.2, NM_001322832.2, NM_001322829.2 and 8 more transcripts); short protein forms P146Q, R202S.
Identifiers: ClinVar variation 377217 (VCV000377217.6), dbSNP rs116144703, ClinGen allele CA5568730.
Genomic context (GRCh38, chr10:77,636,457, plus strand): 5'-CGACATCTAGCCACCTCGAGCGCCAGGGAAGACGCTCCGCGTAAAACCGCGGCCTCAGGC[G>T]GACTCCCGCTCCAGCTCCGCGCTGCTGGTGGCATTTCCGGGGACCCAAAGTGGGTGGCCT-3'